The following is an entry in ClinVar:

ClinVar aggregate classification (germline): Uncertain significance (1 of 4 stars; one submission).

Submission:

Labcorp Genetics (formerly Invitae), Labcorp
Classification: Uncertain significance. Last evaluated: 2022-09-13. Review status: criteria provided, single submitter. Criteria: Invitae Variant Classification Sherloc (09022015). Collection method: clinical testing. Allele origin: germline.
Comment: In summary, the available evidence is currently insufficient to determine the role of this variant in disease. Therefore, it has been classified as a Variant of Uncertain Significance. Advanced modeling of protein sequence and biophysical properties (such as structural, functional, and spatial information, amino acid conservation, physicochemical variation, residue mobility, and thermodynamic stability) performed at Invitae indicates that this missense variant is expected to disrupt FAM134B protein function. ClinVar contains an entry for this variant (Variation ID: 538134). This variant has not been reported in the literature in individuals affected with FAM134B-related conditions. This variant is not present in population databases (gnomAD no frequency). This sequence change replaces serine, which is neutral and polar, with proline, which is neutral and non-polar, at codon 322 of the FAM134B protein (p.Ser322Pro).

NM_001034850.3(RETREG1):c.964T>C (p.Ser322Pro)

Gene: RETREG1 (reticulophagy regulator 1; minus strand). Cytogenetic location: 5p15.1.
Variant type: single nucleotide variant.
Coding change: c.964T>C on transcript NM_001034850.3 (MANE Select); coding-DNA position 964, T replaced by C.
Protein change: p.Ser322Pro; replaces serine 322 with proline.
Molecular consequence: missense variant.
Genome position (GRCh38, 1-based): chr5:16,477,698, A>G on the plus strand (T>C on the coding strand, the complement: RETREG1 is on the minus strand). VCF-style: chr5-16477698-A-G. GRCh37 (hg19) VCF-style: chr5-16477807-A-G.
Other names: c.541T>C, p.Ser181Pro (NM_019000.5); short protein forms S322P, S181P.
Identifiers: ClinVar variation 538134 (VCV000538134.9), dbSNP rs1554014877, ClinGen allele CA359257734.
Genomic context (GRCh38, chr5:16,477,698, plus strand): 5'-ATGTCTCCAGAAATATTAGCATACCATCAGAAGTGTCTGTCTGTGGAGTGTATCCTTCTG[A>G]AAGGTTGAAGGTCCCATTATCAGTCCAGGATACCTCTGAGACGTCTGTGTCAGACACAGA-3'
Protein context (NP_001030022.1, residues 312-332): SWTDNGTFNL[Ser322Pro]EGYTPQTDTS